The following is an entry in ClinVar:

ClinVar aggregate classification (germline): Pathogenic. Review status: reviewed by expert panel (3 of 4 stars). 26 submissions from 26 submitters: Pathogenic (1). 25 of the submissions do not count toward it. Last evaluated 2016-09-08.

Conditions:
BRCA1-related disorder. Also called: BRCA1-related condition.
Fanconi anemia, complementation group S (FANCS). Identifiers: MedGen C4554406, MONDO:0054748, OMIM 617883.
Familial cancer of breast. Also called: Hereditary breast cancer; hereditary breast carcinoma; BREAST CANCER, FAMILIAL. Identifiers: Orphanet 227535, MedGen C0346153, MONDO:0016419, OMIM 114480. Disease mechanism: loss of function.
Breast-ovarian cancer, familial, susceptibility to, 1 (BROVCA1). Also called: OVARIAN CANCER, SUSCEPTIBILITY TO; BRCA1 Hereditary Breast and Ovarian Cancer. Identifiers: Orphanet 145, MedGen C2676676, MONDO:0011450, OMIM 604370. Disease mechanism: loss of function.
Pancreatic cancer, susceptibility to, 4. Identifiers: Orphanet 1333, MedGen C3280442, MONDO:0013685, OMIM 614320.
BRCA1-related cancer predisposition. Identifiers: MedGen CN377757, MONDO:0700268.
Hereditary cancer-predisposing syndrome. Also called: Tumor predisposition; Neoplastic Syndromes, Hereditary; Hereditary Cancer Syndrome; Hereditary neoplastic syndrome. Identifiers: Orphanet 140162, MedGen C0027672, MeSH D009386, MONDO:0015356.
Hereditary breast ovarian cancer syndrome. Also called: Hereditary breast and ovarian cancer syndrome (HBOC); Hereditary breast and ovarian cancer syndrome; Hereditary breast and ovarian cancer; Hereditary breast and/or ovarian cancer syndrome; Breast and ovarian cancer; BRCA1- and BRCA2-Associated Hereditary Breast and Ovarian Cancer. Identifiers: Orphanet 145, MedGen C0677776, MeSH D061325, MONDO:0003582. Disease mechanism: loss of function.

Submissions 1 to 6 of 26:

Evidence-based Network for the Interpretation of Germline Mutant Alleles (ENIGMA)
Classification: Pathogenic for Breast-ovarian cancer, familial, susceptibility to, 1. Last evaluated: 2016-09-08. Review status: reviewed by expert panel. Criteria: ENIGMA BRCA1/2 Classification Criteria (2015). Collection method: curation. Allele origin: germline.
Comment: Variant allele predicted to encode a truncated non-functional protein.

PreventionGenetics, part of Exact Sciences
Classification: Pathogenic for BRCA1-related condition. Last evaluated: 2026-07-30. Review status: criteria provided, single submitter. Criteria: ACMG Guidelines, 2015. Collection method: clinical testing. Allele origin: germline. Not counted in ClinVar's aggregate classification.
Comment: The BRCA1 c.2457delC variant is predicted to result in a frameshift and premature protein termination (p.Asp821Ilefs*25). This variant has been reported to be causative for breast and ovarian cancer (Plummer et al. 1995.PubMed ID: 8595428; Domchek et al. 2013. PubMed ID: 23269703; Cunningham et al. 2014. PubMed ID: 24504028; Al Dubayan et al. 2018. PubMed ID: 29478780; Carter et al. 2018. PubMed ID: 30322717; Soussi et al. 2019. PubMed ID: 30720243). This variant is reported in 0.0026% of alleles in individuals of European (non-Finnish) descent in gnomAD. This variant has been reported in the ClinVar database as pathogenic (Variation ID: 37471). Frameshift variants in BRCA1 are expected to be pathogenic. This variant is interpreted as pathogenic.

Labcorp Genetics (formerly Invitae), Labcorp
Classification: Pathogenic for Hereditary breast ovarian cancer syndrome. Last evaluated: 2026-01-26. Review status: criteria provided, single submitter. Criteria: Invitae Variant Classification Sherloc (09022015). Collection method: clinical testing. Allele origin: germline. Not counted in ClinVar's aggregate classification.
Comment: This sequence change creates a premature translational stop signal (p.Asp821Ilefs*25) in the BRCA1 gene. It is expected to result in an absent or disrupted protein product. Loss-of-function variants in BRCA1 are known to be pathogenic (PMID: 20104584). This variant is present in population databases (rs80357669, gnomAD 0.002%). This premature translational stop signal has been observed in individual(s) with breast and ovarian cancer (PMID: 8807330, 23269703, 24504028, 24728189, 26681312, 26718727). This variant is also known as 2576delC, S819fs, and 819delC. ClinVar contains an entry for this variant (Variation ID: 37471). For these reasons, this variant has been classified as Pathogenic.

Helix
Classification: Pathogenic for Breast-ovarian cancer, familial, susceptibility to, 1. Last evaluated: 2025-09-25. Review status: criteria provided, single submitter. Criteria: ACMG Guidelines, 2015. Collection method: clinical testing. Allele origin: germline. Inheritance: Autosomal dominant inheritance. Not counted in ClinVar's aggregate classification.
Comment: This variant (NM_007294.4:c.2457del p.Asp821IlefsTer25) results in a frameshift, which creates a premature stop codon in the BRCA1 gene. It is predicted to result in nonsense-mediated mRNA decay or in the production of a truncated protein, leading to loss-of-function (LOF). LOF variants in this gene are known to be deleterious (PMID: 20104584, 20301575). This variant is also known as 2576delC. It is a rare variant that is absent from the non-cancer cohort of the large gnomAD population database (PMID: 32461654). This variant has been observed in individual(s) with BRCA1-related cancers (PMID: 23269703, 31871297). This variant was also reported in individual(s) with clinical features of autosomal recessive Fanconi anemia who had a second pathogenic BRCA1 variant (PMID: 29712865). This variant is present in ClinVar (Accession: VCV000037471.48). In conclusion, this variant has been classified as Pathogenic.

Ambry Genetics
Classification: Pathogenic for Hereditary cancer-predisposing syndrome. Last evaluated: 2025-02-21. Review status: criteria provided, single submitter. Criteria: Ambry Variant Classification Scheme 2023. Collection method: clinical testing. Allele origin: germline. Not counted in ClinVar's aggregate classification.
Comment: The c.2457delC pathogenic mutation, located in coding exon 9 of the BRCA1 gene, results from a deletion of one nucleotide at nucleotide position 2457, causing a translational frameshift with a predicted alternate stop codon (p.D821Ifs*25). This mutation has been observed in multiple individuals with hereditary breast and ovarian cancer (HBOC) syndrome (Pal T et al. Cancer 2005 Dec;104:2807-16; Cunningham JM et al. Sci. Rep. 2014 Feb;4:4026; Song H et al. Hum. Mol. Genet. 2014 Sep;23:4703-9; Bernards SS et al. Gynecol. Oncol. 2016 Feb;140:221-5; Seifert BA et al. Clin Cancer Res, 2016 Aug;22:4087-4094; Dorling et al. N Engl J Med. 2021 02;384:428-439). Of note, this alteration is also designated as 2576delC in published literature. In addition to the clinical data presented in the literature, this alteration is expected to result in loss of function by premature protein truncation or nonsense-mediated mRNA decay. As such, this alteration is interpreted as a disease-causing mutation.

All of Us Research Program, National Institutes of Health
Classification: Pathogenic for BRCA1-related cancer predisposition. Last evaluated: 2024-09-13. Review status: criteria provided, single submitter. Criteria: ACMG Guidelines, 2015. Collection method: clinical testing. Allele origin: germline. Inheritance: Autosomal dominant inheritance. Observed: 4 variant alleles, 4 heterozygotes. Not counted in ClinVar's aggregate classification.
Comment: This variant deletes 1 nucleotide in exon 10 of the BRCA1 gene, creating a frameshift and premature translation stop signal. This variant is expected to result in an absent or non-functional protein product. This variant has been reported in multiple individuals and families affected with breast and ovarian cancer (PMID: 8807330, 11773283, 14760071, 16284991, 17688236, 18284688, 19340607, 22010008, 23269703, 23725378, 24504028, 24728189, 26681312, 26718727, 26845104, 3347199; Leiden Open Variation Database DB-ID BRCA1_003958) and colorectal cancer (PMID: 29478780). This variant has been identified in 3/250740 chromosomes in the general population by the Genome Aggregation Database (gnomAD). Loss of BRCA1 function is a known mechanism of disease. Based on the available evidence, this variant is classified as Pathogenic.

This study involves interpretation of variants in research participants for the purpose of population health screening. Participant phenotype was not available at the time of variant classification. Additional details can be found in publication PMID: 35346344, PMCID: PMC8962531

NM_007294.4(BRCA1):c.2457del (p.Asp821fs)

Gene: BRCA1 (BRCA1 DNA repair associated; minus strand). Cytogenetic location: 17q21.31.
Variant type: Deletion.
Coding change: c.2457del on transcript NM_007294.4 (MANE Select); coding-DNA position 2457, one base deleted (C; older notation c.2457delC).
Protein change: p.Asp821fs; shifts the reading frame from aspartic acid 821.
Molecular consequence: frameshift variant. On other transcripts: intron variant (137).
Genome position (GRCh38, 1-based): chr17:43,093,074, G deleted on the plus strand (C on the coding strand, the reverse complement: BRCA1 is on the minus strand); the first of 2 consecutive G bases (chr17:43,093,074-43,093,075); deleting either gives the same sequence. VCF-style (leftmost placement, unchanged base first): chr17-43093073-TG-T. GRCh37 (hg19) VCF-style: chr17-41245090-TG-T.
Other names: 2576delC; c.2457delC (NM_007294.3); c.2244del, p.Asp750fs (NM_001407571.1, NM_001407853.1, NM_001407894.1 and 9 more transcripts); c.2457del, p.Asp821fs (NM_001407581.1, NM_001407582.1, NM_001407583.1 and 30 more transcripts); c.2454del, p.Asp820fs (NM_001407587.1, NM_001407590.1, NM_001407591.1 and 22 more transcripts); c.2448del, p.Asp818fs (NM_001407646.1, NM_001407647.1); c.2334del, p.Asp780fs (NM_001407648.1, NM_001407664.1, NM_001407665.1 and 19 more transcripts); c.2331del, p.Asp779fs (NM_001407649.1, NM_001407670.1, NM_001407671.1 and 11 more transcripts); and 43 more; short protein forms D821fs, D774fs, D525fs, D709fs, D733fs, D794fs, D653fs, D693fs.
Identifiers: ClinVar variation 37471 (VCV000037471.51), dbSNP rs80357669, ClinGen allele CA001638.
Genomic context (GRCh38, chr17:43,093,073, plus strand): 5'-TGTGGTTAACTTCATGTCCCAATGGATACTTAAAGCCTTCTGTGTCATTTCTATTATCTT[TG>T]GAACAACCATGAATTAGTCCCTTGGGGTTTTCAAATGCTGCACACTGACTCACACATTTA-3'